The following is an entry in ClinVar:

NM_000612.6(IGF2):c.99C>T (p.Cys33=)

Genes: IGF2 (insulin like growth factor 2; minus strand), INS-IGF2 (INS-IGF2 readthrough; minus strand). Cytogenetic location: 11p15.5.
Variant type: single nucleotide variant.
Coding change: c.99C>T on transcript NM_000612.6 (MANE Select); coding-DNA position 99, C replaced by T.
Protein change: p.Cys33=; no amino-acid change (cysteine 33 retained).
Molecular consequence: synonymous variant. On other transcripts: non-coding transcript variant (1).
Genome position (GRCh38, 1-based): chr11:2,135,425, G>A on the plus strand (C>T on the coding strand, the complement: IGF2 is on the minus strand). VCF-style: chr11-2135425-G-A. GRCh37 (hg19) VCF-style: chr11-2156655-G-A.
Other names: c.99C>T, p.Cys33= (NM_001007139.6, NM_001291861.3, NM_001291862.3); c.267C>T, p.Cys89= (NM_001127598.3).
Identifiers: ClinVar variation 1953421 (VCV001953421.8), dbSNP rs553443857, ClinGen allele CA5817739.

ClinVar aggregate classification (germline): Likely benign. Review status: criteria provided, multiple submitters, no conflicts (2 of 4 stars). 3 submissions from 3 submitters: Likely benign (2). 1 of the submissions does not count toward it. Last evaluated 2026-05-12.

Conditions:
IGF2-related disorder. Also called: IGF2-related condition.

Allele frequency attached by ClinVar (database versions not stated): gnomAD exomes 0.00003; gnomAD 0.00005; ExAC 0.00009; TOPMed 0.00002.
gnomAD v4.1: 60 of 1,613,662 alleles (0.0037%); highest among the groups gnomAD compares: South Asian, 0.052%; 1 homozygote.

Submissions (3):

Women's Health and Genetics/Laboratory Corporation of America, LabCorp
Classification: Likely benign. Last evaluated: 2026-05-12. Review status: criteria provided, single submitter. Criteria: LabCorp Variant Classification Summary - May 2015. Collection method: clinical testing. Allele origin: germline.

Labcorp Genetics (formerly Invitae), Labcorp
Classification: Likely benign. Last evaluated: 2026-01-23. Review status: criteria provided, single submitter. Criteria: Invitae Variant Classification Sherloc (09022015). Collection method: clinical testing. Allele origin: germline.

PreventionGenetics, part of Exact Sciences
Classification: Likely benign for IGF2-related condition. Last evaluated: 2020-08-21. Review status: no assertion criteria provided. Collection method: clinical testing. Allele origin: germline. Not counted in ClinVar's aggregate classification.
Comment: This variant is classified as likely benign based on ACMG/AMP sequence variant interpretation guidelines (Richards et al. 2015 PMID: 25741868, with internal and published modifications).